The following is an entry in ClinVar:

ClinVar aggregate classification (germline): Likely benign (1 of 4 stars; one submission).

Allele frequency attached by ClinVar (database versions not stated): TOPMed below 0.00001; gnomAD 0.00001; gnomAD exomes 0.00001.
gnomAD v4.1: 9 of 1,613,872 alleles (0.00056%); highest among the groups gnomAD compares: African/African-American, 0.0013%; no homozygotes.

Submission:

GeneDx
Classification: Likely benign. Last evaluated: 2017-08-10. Review status: criteria provided, single submitter. Criteria: GeneDx Variant Classification (06012015). Collection method: clinical testing. Allele origin: germline. Affected: yes.
Comment: This variant is considered likely benign or benign based on one or more of the following criteria: it is a conservative change, it occurs at a poorly conserved position in the protein, it is predicted to be benign by multiple in silico algorithms, and/or has population frequency not consistent with disease.

NM_018136.5(ASPM):c.857T>C (p.Val286Ala)

Gene: ASPM (assembly factor for spindle microtubules; minus strand). Cytogenetic location: 1q31.3.
Variant type: single nucleotide variant.
Coding change: c.857T>C on transcript NM_018136.5 (MANE Select); coding-DNA position 857, T replaced by C.
Protein change: p.Val286Ala; replaces valine 286 with alanine.
Molecular consequence: missense variant.
Genome position (GRCh38, 1-based): chr1:197,143,395, A>G on the plus strand (T>C on the coding strand, the complement: ASPM is on the minus strand). VCF-style: chr1-197143395-A-G. GRCh37 (hg19) VCF-style: chr1-197112525-A-G.
Other names: c.857T>C, p.Val286Ala (NM_001206846.2); short protein forms V286A.
Identifiers: ClinVar variation 511337 (VCV000511337.1), dbSNP rs1553227891, ClinGen allele CA344018745.
Genomic context (GRCh38, chr1:197,143,395, plus strand): 5'-AAAGTTGAAGAACAGTTGGGGGTAAGACTAAGTTTACTATTCTCTCCTCTTTGGCCATTA[A>G]CATTTACGGAATTAAAGGAAGTTTCAGTTACAGCTTTCTCATTAAAAGAAACTTTTGAAA-3'
Protein context (NP_060606.3, residues 276-296): VTETSFNSVN[Val286Ala]NGQRGENSKL